The following is an entry in ClinVar:

ClinVar aggregate classification (germline): Uncertain significance (1 of 4 stars; one submission).

Conditions:
Perlman syndrome (PRLMNS). Identifiers: Orphanet 2849, MedGen C0796113, MONDO:0009965, OMIM 267000.

Allele frequency attached by ClinVar (database versions not stated): gnomAD exomes below 0.00001.
gnomAD v4.1: 1 of 1,613,950 alleles (0.000062%); highest among the groups gnomAD compares: South Asian, 0.0011%; no homozygotes.

Submission:

Labcorp Genetics (formerly Invitae), Labcorp
Classification: Uncertain significance for Perlman syndrome. Last evaluated: 2023-11-02. Review status: criteria provided, single submitter. Criteria: Invitae Variant Classification Sherloc (09022015). Collection method: clinical testing. Allele origin: germline.
Comment: This sequence change replaces serine, which is neutral and polar, with phenylalanine, which is neutral and non-polar, at codon 746 of the DIS3L2 protein (p.Ser746Phe). This variant is present in population databases (no rsID available, gnomAD 0.003%). This variant has not been reported in the literature in individuals affected with DIS3L2-related conditions. Advanced modeling of protein sequence and biophysical properties (such as structural, functional, and spatial information, amino acid conservation, physicochemical variation, residue mobility, and thermodynamic stability) performed at Invitae indicates that this missense variant is expected to disrupt DIS3L2 protein function with a positive predictive value of 80%. In summary, the available evidence is currently insufficient to determine the role of this variant in disease. Therefore, it has been classified as a Variant of Uncertain Significance.

NM_152383.5(DIS3L2):c.2237C>T (p.Ser746Phe)

Gene: DIS3L2 (DIS3 like 3'-5' exoribonuclease 2; plus strand). Cytogenetic location: 2q37.1.
Variant type: single nucleotide variant.
Coding change: c.2237C>T on transcript NM_152383.5 (MANE Select); coding-DNA position 2237, C replaced by T.
Protein change: p.Ser746Phe; replaces serine 746 with phenylalanine.
Molecular consequence: missense variant. On other transcripts: non-coding transcript variant (2), intron variant (1).
Genome position (GRCh38, 1-based): chr2:232,334,447, C>T. VCF-style: chr2-232334447-C-T. GRCh37 (hg19) VCF-style: chr2-233199157-C-T.
Other names: c.1582-8898C>T (NM_001257281.2); short protein forms S746F.
Identifiers: ClinVar variation 2692869 (VCV002692869.3), dbSNP rs1425603774, ClinGen allele CA350977773.